The following is an entry in ClinVar:

ClinVar aggregate classification (germline): Conflicting classifications of pathogenicity. Review status: criteria provided, conflicting classifications (1 of 4 stars). 4 submissions from 4 submitters: Pathogenic (2); Likely pathogenic (1); Uncertain significance (1). Last evaluated 2025-03-07.

Conditions:
Severe combined immunodeficiency, autosomal recessive, T cell-negative, B cell-negative, NK cell-positive. Also called: SCID, T CELL-NEGATIVE, B CELL-NEGATIVE, NK CELL-POSITIVE; SCID, AR, T-cell negative, B-cell negative, NK cell-positive; Severe combined immunodeficiency due to complete RAG1/2 deficiency. Identifiers: Orphanet 331206, MedGen C1832322, MONDO:0011086, OMIM 601457.
T-B+ severe combined immunodeficiency due to JAK3 deficiency. Also called: SCID, autosomal recessive, T-negative/B-positive type; SCID, T CELL-NEGATIVE, B CELL-POSITIVE, NK CELL-NEGATIVE. Identifiers: Orphanet 35078, MedGen C1833275, MONDO:0010938, OMIM 600802.
Severe combined immunodeficiency disease. Also called: Severe combined immunodeficiency; Severe Combined Immune Deficiency. Identifiers: Orphanet 183660, MedGen C0085110, MeSH D016511, MONDO:0015974, HP:0004430. Inheritance: X-Linked or Autosomal recessive.

Submissions (4):

Labcorp Genetics (formerly Invitae), Labcorp
Classification: Pathogenic for T-B+ severe combined immunodeficiency due to JAK3 deficiency. Last evaluated: 2025-03-07. Review status: criteria provided, single submitter. Criteria: Invitae Variant Classification Sherloc (09022015). Collection method: clinical testing. Allele origin: germline.
Comment: This sequence change creates a premature translational stop signal (p.Leu1035Cysfs*3) in the JAK3 gene. It is expected to result in an absent or disrupted protein product. Loss-of-function variants in JAK3 are known to be pathogenic (PMID: 7481768, 11668621). This variant is not present in population databases (gnomAD no frequency). This variant has not been reported in the literature in individuals affected with JAK3-related conditions. ClinVar contains an entry for this variant (Variation ID: 523047). For these reasons, this variant has been classified as Pathogenic.

Women's Health and Genetics/Laboratory Corporation of America, LabCorp
Classification: Pathogenic for Severe combined immunodeficiency disease. Last evaluated: 2025-01-06. Review status: criteria provided, single submitter. Criteria: LabCorp Variant Classification Summary - May 2015. Collection method: clinical testing. Allele origin: germline.
Comment: Variant summary: JAK3 c.3103delC (p.Leu1035CysfsX3) results in a premature termination codon, predicted to cause a truncation of the encoded protein or absence of the protein due to nonsense mediated decay, which are commonly known mechanisms for disease. The variant was absent in 175540 control chromosomes. To our knowledge, no occurrence of c.3103delC in individuals affected with Severe Combined Immunodeficiency and no experimental evidence demonstrating its impact on protein function have been reported. ClinVar contains an entry for this variant (Variation ID: 523047). Based on the evidence outlined above, the variant was classified as pathogenic.

Genomics Facility, Ludwig-Maximilians-Universität München
Classification: Likely pathogenic for T-B+ severe combined immunodeficiency due to JAK3 deficiency. Last evaluated: 2021-12-28. Review status: criteria provided, single submitter. Criteria: ACMG Guidelines, 2015. Collection method: clinical testing. Allele origin: biparental. Inheritance: Autosomal recessive inheritance. Affected: yes.

Genomic Research Center, Shahid Beheshti University of Medical Sciences
Classification: Uncertain significance for Severe combined immunodeficiency, autosomal recessive, T cell-negative, B cell-negative, NK cell-positive. Last evaluated: 2017-12-18. Review status: criteria provided, single submitter. Criteria: ACMG Guidelines, 2015. Collection method: clinical testing. Allele origin: inherited.

Literature cited by the submitters: PubMed 7481768 (cited by Labcorp Genetics (formerly Invitae), Labcorp); PubMed 11668621 (cited by Labcorp Genetics (formerly Invitae), Labcorp).

NM_000215.4(JAK3):c.3103del (p.Leu1035fs)

Gene: JAK3 (Janus kinase 3; minus strand). Cytogenetic location: 19p13.11.
Variant type: Deletion.
Coding change: c.3103del on transcript NM_000215.4 (MANE Select); coding-DNA position 3103, one base deleted (C; older notation c.3103delC).
Protein change: p.Leu1035fs; shifts the reading frame from leucine 1035.
Molecular consequence: frameshift variant.
Genome position (GRCh38, 1-based): chr19:17,830,212, G deleted on the plus strand (C on the coding strand, the reverse complement: JAK3 is on the minus strand); the first of 2 consecutive G bases (chr19:17,830,212-17,830,213); deleting either gives the same sequence. VCF-style (leftmost placement, unchanged base first): chr19-17830211-AG-A. GRCh37 (hg19) VCF-style: chr19-17941020-AG-A.
Other names: c.3103delC (NM_000215.4); short protein forms L1035fs.
Identifiers: ClinVar variation 523047 (VCV000523047.12), dbSNP rs1424732031, ClinGen allele CA404764280.